The following is an entry in ClinVar:

ClinVar aggregate classification (germline): Likely pathogenic. Review status: criteria provided, multiple submitters, no conflicts (2 of 4 stars). 3 submissions from 3 submitters: Likely pathogenic (2). 1 of the submissions does not count toward it. Last evaluated 2026-07-17.

Conditions:
Primary ciliary dyskinesia. Also called: Ciliary dyskinesia. Identifiers: Orphanet 244, MedGen C0008780, MONDO:0016575, HP:0012265.

Allele frequency attached by ClinVar (database versions not stated): gnomAD exomes below 0.00001; TOPMed below 0.00001.
gnomAD v4.1: 1 of 1,581,504 alleles (0.000063%); highest among the groups gnomAD compares: Middle Eastern, 0.017%; no homozygotes.

Submissions (3):

Ambry Genetics
Classification: Likely pathogenic for Primary ciliary dyskinesia. Last evaluated: 2026-07-17. Review status: criteria provided, single submitter. Criteria: Ambry Variant Classification Scheme 2023. Collection method: clinical testing. Allele origin: germline.
Comment: The p.D117G variant (also known as c.350A>G), located in coding exon 3 of the CCDC39 gene, results from an A to G substitution at nucleotide position 350. The aspartic acid at codon 117 is replaced by glycine, an amino acid with similar properties. This variant has been identified in the homozygous state and/or in conjunction with other CCDC39 variant(s) in individual(s) with features consistent with CCDC39-related primary ciliary dyskinesia (Davis SD et al. Am J Respir Crit Care Med, 2019 Jan;199:190-198; Antony D et al. Front Genet, 2022 Apr;13:861236; Ambry internal data; external communication). This amino acid position is not well conserved in available vertebrate species. In addition, this alteration is predicted to be tolerated by in silico analysis. This variant is considered to be rare based on population cohorts in the Genome Aggregation Database (gnomAD). Based on the majority of available evidence to date, this variant is likely to be pathogenic.

Labcorp Genetics (formerly Invitae), Labcorp
Classification: Likely pathogenic for Primary ciliary dyskinesia. Last evaluated: 2025-02-25. Review status: criteria provided, single submitter. Criteria: Invitae Variant Classification Sherloc (09022015). Collection method: clinical testing. Allele origin: germline.
Comment: This sequence change replaces aspartic acid, which is acidic and polar, with glycine, which is neutral and non-polar, at codon 117 of the CCDC39 protein (p.Asp117Gly). This variant is not present in population databases (gnomAD no frequency). This missense change has been observed in individual(s) with clinical features of primary ciliary dyskinesia and/or situs inversus totalis (PMID: 30067075, 35547246; internal data). ClinVar contains an entry for this variant (Variation ID: 572671). An algorithm developed to predict the effect of missense changes on protein structure and function (PolyPhen-2) suggests that this variant is likely to be tolerated. Algorithms developed to predict the effect of sequence changes on RNA splicing suggest that this variant may disrupt the consensus splice site. In summary, the currently available evidence indicates that the variant is pathogenic, but additional data are needed to prove that conclusively. Therefore, this variant has been classified as Likely Pathogenic.

Yale Center for Mendelian Genomics, Yale University
Classification: Likely pathogenic for Primary ciliary dyskinesia. Last evaluated: 2018-08-01. Review status: no assertion criteria provided. Collection method: literature only. Allele origin: germline. Affected: yes. Observed: 1 compound heterozygote. Study: Yale Center for Mendelian Genomics. Not counted in ClinVar's aggregate classification.

Literature cited by the submitters: PubMed 30067075 (cited by 3 submitters); PubMed 35547246 (cited by Ambry Genetics and Labcorp Genetics (formerly Invitae), Labcorp).

NM_181426.2(CCDC39):c.350A>G (p.Asp117Gly)

Gene: CCDC39 (coiled-coil domain 39 molecular ruler complex subunit; minus strand). Cytogenetic location: 3q26.33.
Variant type: single nucleotide variant.
Coding change: c.350A>G on transcript NM_181426.2 (MANE Select); coding-DNA position 350, A replaced by G.
Protein change: p.Asp117Gly; replaces aspartic acid 117 with glycine.
Molecular consequence: missense variant.
Genome position (GRCh38, 1-based): chr3:180,661,868, T>C on the plus strand (A>G on the coding strand, the complement: CCDC39 is on the minus strand). VCF-style: chr3-180661868-T-C. GRCh37 (hg19) VCF-style: chr3-180379656-T-C.
Other names: short protein forms D117G.
Identifiers: ClinVar variation 572671 (VCV000572671.10), dbSNP rs1560092712, ClinGen allele CA355303841.
Genomic context (GRCh38, chr3:180,661,868, plus strand): 5'-TGATGGAAGAATGAGCAGTAGCACAGAATTTTAAGTAATATTTCAACATATACTTCTTTA[T>C]CACTTTTCTTTTCCAGTATTGAAGCCATCTCATTTTCCAGCCGTTGAATTTCATCTTTCA-3'
Protein context (NP_852091.1, residues 107-127): EMASILEKKS[Asp117Gly]KENGIFKATQ